The following is an entry in ClinVar:

ClinVar aggregate classification (germline): Benign. Review status: criteria provided, single submitter (1 of 4 stars). 2 submissions from 2 submitters: Benign (1). 1 of the submissions does not count toward it. Last evaluated 2026-01-06.

Conditions:
HMCN1-related disorder. Also called: HMCN1-related condition.

Submissions (2):

Labcorp Genetics (formerly Invitae), Labcorp
Classification: Benign. Last evaluated: 2026-01-06. Review status: criteria provided, single submitter. Criteria: Invitae Variant Classification Sherloc (09022015). Collection method: clinical testing. Allele origin: germline.

PreventionGenetics, part of Exact Sciences
Classification: Likely benign for HMCN1-related condition. Last evaluated: 2019-08-28. Review status: no assertion criteria provided. Collection method: clinical testing. Allele origin: germline. Not counted in ClinVar's aggregate classification.
Comment: This variant is classified as likely benign based on ACMG/AMP sequence variant interpretation guidelines (Richards et al. 2015 PMID: 25741868, with internal and published modifications).

NM_031935.3(HMCN1):c.12691-12_12691-9del

Gene: HMCN1 (hemicentin 1; plus strand). Cytogenetic location: 1q31.1.
Variant type: Deletion.
Coding change: c.12691-12_12691-9del on transcript NM_031935.3 (MANE Select); 12 bases into the intron before coding-DNA position 12691 through 9 bases into the intron before coding-DNA position 12691, 4 bases deleted (TTTT; older notation c.12691-12_12691-9delTTTT).
Molecular consequence: intron variant.
Genome position (GRCh38, 1-based): chr1:186,128,066-186,128,069, TTTT deleted; deleting any 4 consecutive bases within chr1:186,128,063-186,128,069 gives the same sequence; the c. name uses the placement nearest the transcript's 3' end. VCF-style (leftmost placement, unchanged base first): chr1-186128062-CTTTT-C. GRCh37 (hg19) VCF-style: chr1-186097194-CTTTT-C.
Other names: c.12691-12_12691-9delTTTT (NM_031935.2).
Identifiers: ClinVar variation 1599942 (VCV001599942.10), dbSNP rs751950084, ClinGen allele CA1294439.
Genomic context (GRCh38, chr1:186,128,062, plus strand): 5'-GCTATGCAATTTGATGTATTTTATGTACTATGATGGATGATTATGAAATTTTAAATGTTA[CTTTT>C]TTTAATTTTAGCTGGAGGATTCTGGCTTCTATACCTGTGTTGCTAACAATGCTGCAGGTG-3'